The following is an entry in ClinVar:

ClinVar aggregate classification (germline): Pathogenic (1 of 4 stars; one submission).

Submission:

CeGaT Center for Human Genetics Tuebingen
Classification: Pathogenic. Last evaluated: 2023-08-01. Review status: criteria provided, single submitter. Criteria: CeGaT Center For Human Genetics Tuebingen Variant Classification Criteria Version 2. Collection method: clinical testing. Allele origin: germline. Affected: yes. Observed: 1 variant allele.
Comment: TTN: PVS1, PM2

NM_001267550.2(TTN):c.44016del (p.Arg14673fs)

Gene: TTN (titin; minus strand). Cytogenetic location: 2q31.2.
Variant type: Deletion.
Coding change: c.44016del on transcript NM_001267550.2 (MANE Select); coding-DNA position 44016, one base deleted (T; older notation c.44016delT).
Protein change: p.Arg14673fs; shifts the reading frame from arginine 14673.
Molecular consequence: frameshift variant.
Genome position (GRCh38, 1-based): chr2:178,630,942, A deleted on the plus strand (T on the coding strand, the reverse complement: TTN is on the minus strand). VCF-style (leftmost placement, unchanged base first): chr2-178630941-GA-G. GRCh37 (hg19) VCF-style: chr2-179495668-GA-G.
Other names: c.39093del, p.Arg13032fs (NM_001256850.1); c.16821del, p.Arg5608fs (NM_003319.4); c.36312del, p.Arg12105fs (NM_133378.4); c.17196del, p.Arg5733fs (NM_133432.3); c.17397del, p.Arg5800fs (NM_133437.4); short protein forms R12105fs, R13032fs, R14673fs, R5608fs, R5733fs, R5800fs.
Identifiers: ClinVar variation 2582987 (VCV002582987.25), dbSNP rs2471406220, ClinGen allele CA2582342038.
Genomic context (GRCh38, chr2:178,630,941, plus strand): 5'-GTGCTGTCTCAGTCTCCATCACCTCCACACTGTGCAGGGGTCGCACCAGTTTAATTTCCC[GA>G]TCTAGAAAAGTGAAGGGCCAGCATGGGTCATTAGCCTCTGGCACAAATAACCCCAATGCT-3'